The following is an entry in ClinVar:

NM_015202.5(KATNIP):c.126T>C (p.Leu42=)

Gene: KATNIP (katanin interacting protein; plus strand). Cytogenetic location: 16p12.1.
Variant type: single nucleotide variant.
Coding change: c.126T>C on transcript NM_015202.5 (MANE Select); coding-DNA position 126, T replaced by C.
Protein change: p.Leu42=; no amino-acid change (leucine 42 retained).
Molecular consequence: synonymous variant.
Genome position (GRCh38, 1-based): chr16:27,618,487, T>C. VCF-style: chr16-27618487-T-C. GRCh37 (hg19) VCF-style: chr16-27629808-T-C.
Identifiers: ClinVar variation 1920658 (VCV001920658.10), dbSNP rs199519583, ClinGen allele CA7977214.

ClinVar aggregate classification (germline): Likely benign. Review status: criteria provided, multiple submitters, no conflicts (2 of 4 stars). 3 submissions from 3 submitters: Likely benign (3). Last evaluated 2026-01-01.

Allele frequency attached by ClinVar (database versions not stated): gnomAD exomes 0.00004; gnomAD 0.00006; TOPMed 0.00006; ExAC 0.00007; 1000 Genomes Project 30x 0.00016; 1000 Genomes Project 0.00020.
gnomAD v4.1: 69 of 1,612,118 alleles (0.0043%); highest among the groups gnomAD compares: East Asian, 0.016%; no homozygotes.

Submissions (3):

CeGaT Center for Human Genetics Tuebingen
Classification: Likely benign. Last evaluated: 2026-01-01. Review status: criteria provided, single submitter. Criteria: CeGaT Center For Human Genetics Tuebingen Variant Classification Criteria Version 2. Collection method: clinical testing. Allele origin: germline. Affected: yes. Observed: 1 variant allele.
Comment: KATNIP: BP4, BP7

Blueprint Genetics
Classification: Likely benign. Last evaluated: 2024-09-18. Review status: criteria provided, single submitter. Criteria: ACMG Guidelines, 2015. Collection method: clinical testing. Allele origin: germline.

Labcorp Genetics (formerly Invitae), Labcorp
Classification: Likely benign. Last evaluated: 2021-12-31. Review status: criteria provided, single submitter. Criteria: Invitae Variant Classification Sherloc (09022015). Collection method: clinical testing. Allele origin: germline.